The following is an entry in ClinVar:

NM_006739.4(MCM5):c.1753C>T (p.Arg585Cys)

Gene: MCM5 (minichromosome maintenance complex component 5; plus strand). Cytogenetic location: 22q12.3.
Variant type: single nucleotide variant.
Coding change: c.1753C>T on transcript NM_006739.4 (MANE Select); coding-DNA position 1753, C replaced by T.
Protein change: p.Arg585Cys; replaces arginine 585 with cysteine.
Molecular consequence: missense variant.
Genome position (GRCh38, 1-based): chr22:35,419,933, C>T. VCF-style: chr22-35419933-C-T. GRCh37 (hg19) VCF-style: chr22-35815926-C-T.
Other names: c.1753C>T (NM_006739.3); short protein forms R585C.
Identifiers: ClinVar variation 2889407 (VCV002889407.4), dbSNP rs759905272, ClinGen allele CA10205497.

ClinVar aggregate classification (germline): Uncertain significance. Review status: criteria provided, multiple submitters, no conflicts (2 of 4 stars). 2 submissions from 2 submitters: Uncertain significance (2). Last evaluated 2025-03-17.

Allele frequency attached by ClinVar (database versions not stated): gnomAD exomes 0.00002; gnomAD 0.00004; ExAC 0.00001; TOPMed 0.00002.
gnomAD v4.1: 32 of 1,613,258 alleles (0.002%); highest among the groups gnomAD compares: South Asian, 0.0055%; no homozygotes.

Submissions (2):

Labcorp Genetics (formerly Invitae), Labcorp
Classification: Uncertain significance. Last evaluated: 2025-03-17. Review status: criteria provided, single submitter. Criteria: Invitae Variant Classification Sherloc (09022015). Collection method: clinical testing. Allele origin: germline.
Comment: This sequence change replaces arginine, which is basic and polar, with cysteine, which is neutral and slightly polar, at codon 585 of the MCM5 protein (p.Arg585Cys). This variant is present in population databases (rs759905272, gnomAD 0.006%). This variant has not been reported in the literature in individuals affected with MCM5-related conditions. ClinVar contains an entry for this variant (Variation ID: 2889407). Invitae Evidence Modeling of protein sequence and biophysical properties (such as structural, functional, and spatial information, amino acid conservation, physicochemical variation, residue mobility, and thermodynamic stability) indicates that this missense variant is not expected to disrupt MCM5 protein function with a negative predictive value of 80%. In summary, the available evidence is currently insufficient to determine the role of this variant in disease. Therefore, it has been classified as a Variant of Uncertain Significance.

Ambry Genetics
Classification: Uncertain significance. Last evaluated: 2023-12-08. Review status: criteria provided, single submitter. Criteria: Ambry Variant Classification Scheme 2023. Collection method: clinical testing. Allele origin: germline.